The following is an entry in ClinVar:

NM_000018.4(ACADVL):c.130G>A (p.Ala44Thr)

Genes: ACADVL (acyl-CoA dehydrogenase very long chain; plus strand), LOC130060113 (ATAC-STARR-seq lymphoblastoid silent region 8088; plus strand). Cytogenetic location: 17p13.1.
Variant type: single nucleotide variant.
Coding change: c.130G>A on transcript NM_000018.4 (MANE Select); coding-DNA position 130, G replaced by A.
Protein change: p.Ala44Thr; replaces alanine 44 with threonine.
Molecular consequence: missense variant. On other transcripts: 5 prime UTR variant (1).
Genome position (GRCh38, 1-based): chr17:7,220,189, G>A. VCF-style: chr17-7220189-G-A. GRCh37 (hg19) VCF-style: chr17-7123508-G-A.
Other names: c.130G>A, p.Ala44Thr (NM_001033859.3); c.199G>A, p.Ala67Thr (NM_001270447.2); c.-99G>A (NM_001270448.2); short protein forms A67T, A44T.
Identifiers: ClinVar variation 932739 (VCV000932739.7), dbSNP rs573810960, ClinGen allele CA287433944.

ClinVar aggregate classification (germline): Uncertain significance. Review status: criteria provided, multiple submitters, no conflicts (2 of 4 stars). 3 submissions from 3 submitters: Uncertain significance (3). Last evaluated 2024-04-20.

Conditions:
Inborn genetic diseases. Identifiers: MedGen C0950123, MeSH D030342.
Very long chain acyl-CoA dehydrogenase deficiency (ACADVLD). Also called: Very Long-Chain Acyl-Coenzyme A Dehydrogenase Deficiency; VLCAD Deficiency. Identifiers: Orphanet 26793, MedGen C3887523, MONDO:0008723, OMIM 201475.

Allele frequency attached by ClinVar (database versions not stated): TOPMed below 0.00001; gnomAD 0.00001; gnomAD exomes 0.00001.

Submissions (3):

Ambry Genetics
Classification: Uncertain significance for Inborn genetic diseases. Last evaluated: 2024-04-20. Review status: criteria provided, single submitter. Criteria: Ambry Variant Classification Scheme 2023. Collection method: clinical testing. Allele origin: germline.

Labcorp Genetics (formerly Invitae), Labcorp
Classification: Uncertain significance for Very long chain acyl-CoA dehydrogenase deficiency. Last evaluated: 2022-07-12. Review status: criteria provided, single submitter. Criteria: Invitae Variant Classification Sherloc (09022015). Collection method: clinical testing. Allele origin: germline.
Comment: This sequence change replaces alanine, which is neutral and non-polar, with threonine, which is neutral and polar, at codon 44 of the ACADVL protein (p.Ala44Thr). This variant is not present in population databases (gnomAD no frequency). This variant has not been reported in the literature in individuals affected with ACADVL-related conditions. ClinVar contains an entry for this variant (Variation ID: 932739). Algorithms developed to predict the effect of missense changes on protein structure and function output the following: SIFT: "Tolerated"; PolyPhen-2: "Benign"; Align-GVGD: "Class C0". The threonine amino acid residue is found in multiple mammalian species, which suggests that this missense change does not adversely affect protein function. In summary, the available evidence is currently insufficient to determine the role of this variant in disease. Therefore, it has been classified as a Variant of Uncertain Significance.

Wong Mito Lab, Molecular and Human Genetics, Baylor College of Medicine
Classification: Uncertain significance for Very long chain acyl-CoA dehydrogenase deficiency. Last evaluated: 2019-11-01. Review status: criteria provided, single submitter. Criteria: ACMG Guidelines, 2015. Collection method: clinical testing. Allele origin: germline.
Comment: The NM_000018.3:c.130G>A (NP_000009.1:p.Ala44Thr) [GRCH38: NC_000017.11:g.7220189G>A] variant in ACADVL gene is interpretated to be Uncertain Significance based on ACMG guidelines (PMID: 25741868). This variant has been reported. This variant dose not meet any evidence codes reported in the ACMG guidelines.